The following is an entry in ClinVar:

ClinVar aggregate classification (germline): Pathogenic/Likely pathogenic. Review status: criteria provided, multiple submitters, no conflicts (2 of 4 stars). 2 submissions from 2 submitters: Pathogenic (1); Likely pathogenic (1). Last evaluated 2025-05-30.

Conditions:
Cardiomyopathy, dilated, with wooly hair, keratoderma, and tooth agenesis. Also called: Erythrokeratodermia-cardiomyopathy syndrome; Cardiomyopathy, dilated, with woolly hair, keratoderma, and tooth agenesis. Identifiers: Orphanet 476096, Orphanet 65282, MedGen C4014393, MONDO:0014355, OMIM 615821.
Arrhythmogenic cardiomyopathy with wooly hair and keratoderma. Also called: Arrhythmogenic cardiomyopathy with woolly hair and keratoderma; PALMOPLANTAR KERATODERMA WITH LEFT VENTRICULAR CARDIOMYOPATHY AND WOOLLY HAIR; Carvajal syndrome; Dilated cardiomyopathy with woolly hair and keratoderma. Identifiers: Orphanet 65282, MedGen C1854063, MONDO:0011581, OMIM 605676.
Arrhythmogenic right ventricular dysplasia 8 (ARVD8). Also called: Arrhythmogenic Right Ventricular Dysplasia/Cardiomyopathy 8; ARRHYTHMOGENIC RIGHT VENTRICULAR DYSPLASIA, FAMILIAL, 8; ARRHYTHMOGENIC RIGHT VENTRICULAR CARDIOMYOPATHY 8. Identifiers: MedGen C1843896, MONDO:0011831, OMIM 607450.
Cardiovascular phenotype. Identifiers: MedGen CN230736.

Submissions (2):

Ambry Genetics
Classification: Pathogenic for Cardiovascular phenotype. Last evaluated: 2025-05-30. Review status: criteria provided, single submitter. Criteria: Ambry Variant Classification Scheme 2023. Collection method: clinical testing. Allele origin: germline.
Comment: The c.5671_*835+957del4738ins11 gross deletion includes at least a portion of coding exon 24 through at least a portion of the 3&rsquo; untranslated region (UTR) in the DSP gene, and includes the deletion of 4738 nucleotides and insertion of 11 nucleotides. Alterations in DSP that result in haploinsufficiency or protein truncation have been reported in patients with arrhythmogenic right ventricular cardiomyopathy (ARVC) and dilated cardiomyopathy (DCM) (Fressart V et al. Europace. 2010;12(6):861-8; Elliott P et al. Circ Cardiovasc Genet. 2010;3(4):314-22; Quarta G et al. Circulation. 2011;123(23):2701-9; Garcia-Pavia P et al. Heart. 2011;97(21):1744-52; Rasmussen TB et al. Clin Genet. 2013;84(1):20-30; Pugh TJ et al. Genet Med. 2014;16(8):601-8). This gross deletion is expected to result in loss of function due to an abnormal transcript, a translational frameshift leading to premature truncation, or nonsense-mediated mRNA decay. As such, this alteration is interpreted as a disease-causing mutation.

New York Genome Center
Classification: Likely pathogenic for Arrhythmogenic right ventricular dysplasia 8; Cardiomyopathy, dilated, with wooly hair, keratoderma, and tooth agenesis; Arrhythmogenic cardiomyopathy with wooly hair and keratoderma. Last evaluated: 2022-07-11. Review status: criteria provided, single submitter. Criteria: NYGC Assertion Criteria 2020. Collection method: clinical testing. Allele origin: germline. Observed: 1 variant allele.
Comment: The NC_000006.12:g.7582933_7587670delinsAGAACAGTCTT variant in DSP has not previously been reported in the literature or public variant repositories (ClinVar and LOVD), and it has been observed in 3 alleles with 0 homozygote in population databases (gnomAD Sv2.1.1, v2.1.1, and v3.1.2, TOPMed Freeze 8), suggesting it is not a common benign variant in the populations represented in those databases, which might also include individuals with cardiac phenotypes. The NC_000006.12(chr6):g.7582933_7587670delinsAGAACAGTCTT variant in DSP is a ~4.7 Kb deletion starting in exon 24 of this 24-exon gene and extending beyond the 3'UTR with 11 base-pair insertion at the breakpoints, and is predicted to result in loss of the last 980 amino acids (>30% of the protein). A similar variant in the same region of exon 24 have been reported in ClinVar [ClinVar ID: 642168] as pathogenic and multiple variants in the deleted region of exon 24 of DSP seen here have been reported in the literature in individuals with DSP-related cardiac and ectodermal phenotypes. Based on available evidence this NC_000006.12(chr6):g.7582933_7587670delinsAGAACAGTCTT variant identified in DSP is classified as Likely Pathogenic.

NM_004415.2(DSP):c.5671_*835+957del4738insAGAACAGTCTT

Gene: DSP (desmoplakin; plus strand). Cytogenetic location: 6p24.3.
Variant type: Indel.
Coding change: c.5671_*835+957del4738insAGAACAGTCTT on transcript NM_004415.2; coding-DNA position 5671 through 957 bases into the intron after 835 bases downstream of the stop codon, this stretch deleted.
Genome position: GRCh38: chr6:7,582,933-7,587,670. GRCh37 (hg19): chr6:7,583,166-7,587,903.
Identifiers: ClinVar variation 1748977 (VCV001748977.4), ClinGen allele CA2580075482.